The following is an entry in ClinVar:

NR_002728.4(KCNQ1OT1):n.30932T>C

Genes: KCNQ1 (potassium voltage-gated channel subfamily Q member 1; plus strand), KCNQ1OT1 (KCNQ1 opposite strand/antisense transcript 1; minus strand). Cytogenetic location: 11p15.5.
Variant type: single nucleotide variant.
Molecular consequence: non-coding transcript variant (on NR_002728.4). On other transcripts: intron variant (5).
Genome position: GRCh38 VCF-style: chr11-2669063-A-G. GRCh37 (hg19) VCF-style: chr11-2690293-A-G.
Other names: c.1244+6982A>G (NM_001406837.1); c.1514+6982A>G (NM_000218.3); c.1418+6982A>G (NM_001406836.1); c.974+6982A>G (NM_001406838.1); c.1133+6982A>G (NM_181798.2).
Identifiers: ClinVar variation 3350529 (VCV003350529.1).

ClinVar aggregate classification (germline): Uncertain significance (0 of 4 stars; one submission).

Conditions:
KCNQ1OT1-related disorder. Also called: KCNQ1OT1-related condition.

gnomAD v4.1: 4 of 398,336 alleles (0.001%); highest among the groups gnomAD compares: African/African-American, 0.0082%; no homozygotes.

Submission:

PreventionGenetics, part of Exact Sciences
Classification: Uncertain significance for KCNQ1OT1-related condition. Last evaluated: 2024-05-06. Review status: no assertion criteria provided. Collection method: clinical testing. Allele origin: germline.
Comment: The KCNQ1OT1 n.30936T>C is a noncoding alteration. To our knowledge, this variant has not been reported in the literature or in a large population database, indicating this variant is rare. At this time, the clinical significance of this variant is uncertain due to the absence of conclusive functional and genetic evidence.